The following is an entry in ClinVar:

NM_006420.3(ARFGEF2):c.3844G>A (p.Ala1282Thr)

Gene: ARFGEF2 (ARF guanine nucleotide exchange factor 2; plus strand). Cytogenetic location: 20q13.13.
Variant type: single nucleotide variant.
Coding change: c.3844G>A on transcript NM_006420.3 (MANE Select); coding-DNA position 3844, G replaced by A.
Protein change: p.Ala1282Thr; replaces alanine 1282 with threonine.
Molecular consequence: missense variant.
Genome position (GRCh38, 1-based): chr20:49,012,010, G>A. VCF-style: chr20-49012010-G-A. GRCh37 (hg19) VCF-style: chr20-47628547-G-A.
Other names: c.3841G>A, p.Ala1281Thr (NM_001410846.1); short protein forms A1281T, A1282T.
Identifiers: ClinVar variation 1926208 (VCV001926208.5), dbSNP rs770317385, ClinGen allele CA9899054.

ClinVar aggregate classification (germline): Uncertain significance (1 of 4 stars; one submission).

Allele frequency attached by ClinVar (database versions not stated): gnomAD exomes 0.00001; TOPMed 0.00001; ExAC 0.00002.
gnomAD v4.1: 6 of 1,614,174 alleles (0.00037%); highest among the groups gnomAD compares: East Asian, 0.011%; no homozygotes.

Submission:

Labcorp Genetics (formerly Invitae), Labcorp
Classification: Uncertain significance. Last evaluated: 2026-02-02. Review status: criteria provided, single submitter. Criteria: Invitae Variant Classification Sherloc (09022015). Collection method: clinical testing. Allele origin: germline.
Comment: This sequence change replaces alanine, which is neutral and non-polar, with threonine, which is neutral and polar, at codon 1282 of the ARFGEF2 protein (p.Ala1282Thr). This variant is present in population databases (rs770317385, gnomAD 0.03%). This variant has not been reported in the literature in individuals affected with ARFGEF2-related conditions. ClinVar contains an entry for this variant (Variation ID: 1926208). An algorithm developed to predict the effect of missense changes on protein structure and function (PolyPhen-2) suggests that this variant is likely to be tolerated. In summary, the available evidence is currently insufficient to determine the role of this variant in disease. Therefore, it has been classified as a Variant of Uncertain Significance.